The following is an entry in ClinVar:

NM_000161.3(GCH1):c.-22C>T

Genes: GCH1 (GTP cyclohydrolase 1; minus strand), LOC130055692 (ATAC-STARR-seq lymphoblastoid silent region 5776; plus strand). Cytogenetic location: 14q22.2.
Variant type: single nucleotide variant.
Coding change: c.-22C>T on transcript NM_000161.3 (MANE Select); 22 bases upstream of the start codon, C replaced by T.
Molecular consequence: 5 prime UTR variant.
Genome position (GRCh38, 1-based): chr14:54,902,685, G>A on the plus strand (C>T on the coding strand, the complement: GCH1 is on the minus strand). VCF-style: chr14-54902685-G-A. GRCh37 (hg19) VCF-style: chr14-55369403-G-A.
Other names: c.-22C>T (NM_001024024.2, NM_001024070.2, NM_001024071.2 and 1 more transcripts).
Identifiers: ClinVar variation 2925520 (VCV002925520.4), dbSNP rs1044089000, ClinGen allele CA706939573.
Genomic context (GRCh38, chr14:54,902,685, plus strand): 5'-CGGCTTCTCCGCCGGTGCCCGCACAGGGCCCTTCTCCATGGACCCGCCGCAGCCGCTGCC[G>A]TTCGGGAAGGACCCCGGGGCGCTTCGAGGTCTGCGGCTAAACTCCGCCGGTGGCCGCGGA-3'

ClinVar aggregate classification (germline): Pathogenic/Likely pathogenic. Review status: criteria provided, multiple submitters, no conflicts (2 of 4 stars). 2 submissions from 2 submitters: Pathogenic (1); Likely pathogenic (1). Last evaluated 2025-02-17.

Conditions:
Dystonia 5 (DRD). Also called: DYSTONIA, PROGRESSIVE, WITH DIURNAL VARIATION; DYSTONIA-PARKINSONISM WITH DIURNAL FLUCTUATION; GTP Cyclohydrolase 1-Deficient Dopa-Responsive Dystonia; Dystonia, DOPA-responsive, with or without hyperphenylalaninemia; DYT-GCH1. Identifiers: Orphanet 98808, MedGen C1851920, MONDO:0007495, OMIM 128230.
GTP cyclohydrolase I deficiency. Identifiers: MedGen C0268467, MONDO:0100184.

gnomAD v4.1: 2 of 1,435,008 alleles (0.00014%); highest among the groups gnomAD compares: Non-Finnish European, 0.000091%; no homozygotes.

Submissions (2):

Labcorp Genetics (formerly Invitae), Labcorp
Classification: Pathogenic for GTP cyclohydrolase I deficiency; Dystonia 5. Last evaluated: 2025-02-17. Review status: criteria provided, single submitter. Criteria: Invitae Variant Classification Sherloc (09022015). Collection method: clinical testing. Allele origin: germline.
Comment: This variant occurs in a non-coding region of the GCH1 gene. It does not change the encoded amino acid sequence of the GCH1 protein. This variant is not present in population databases (gnomAD no frequency). This variant has been observed in individuals with dopa-responsive dystonia (PMID: 10825351, 21674621). It has also been observed to segregate with disease in related individuals. This variant is also known as +142C>T. ClinVar contains an entry for this variant (Variation ID: 2925520). Algorithms developed to predict the effect of variants on gene product structure and function are not available or were not evaluated for this variant. Experimental studies have shown that this variant affects GCH1 function (PMID: 24124602). For these reasons, this variant has been classified as Pathogenic.

GeneDx
Classification: Likely pathogenic. Last evaluated: 2024-05-23. Review status: criteria provided, single submitter. Criteria: GeneDx Variant Classification Process June 2021. Collection method: clinical testing. Allele origin: germline. Affected: yes.
Comment: Published functional studies demonstrate a damaging effect as the variant creates an upstream open reading frame that both inhibits translation and generates a 73 amino acid peptide that accumulates in the nucleus (PMID: 28366877); Nucleotide is not conserved across species and the substitution has no predicted effect on splicing; Not observed at significant frequency in large population cohorts (gnomAD); Also known as +142C>T; This variant is associated with the following publications: (PMID: 16917893, 10825351, 19491146, 21674621, SilvaJ2017[Review], 24124602, 28366877)

Literature cited by the submitters: PubMed 10825351 (cited by Labcorp Genetics (formerly Invitae), Labcorp); PubMed 21674621 (cited by Labcorp Genetics (formerly Invitae), Labcorp); PubMed 24124602 (cited by Labcorp Genetics (formerly Invitae), Labcorp).